The following is an entry in ClinVar:

NC_000004.11:g.(?_5713108)_(5714221_?)del

Gene: EVC (EvC ciliary complex subunit 1; plus strand). Cytogenetic location: 4p16.2.
Variant type: Deletion.
Identifiers: ClinVar variation 2427447 (VCV002427447.3).

ClinVar aggregate classification (germline): Likely pathogenic (1 of 4 stars; one submission).

Conditions:
Curry-Hall syndrome (WAD). Also called: WEYERS ACRODENTAL DYSOSTOSIS. Identifiers: Orphanet 952, MedGen C0457013, MONDO:0008673, OMIM 193530.
Ellis-van Creveld syndrome (EVC). Also called: MESOECTODERMAL DYSPLASIA; EVC-Related Ellis-van Creveld Syndrome; EVC2-Related Ellis-van Creveld Syndrome; Chondroectodermal dysplasia. Identifiers: Orphanet 289, MedGen C0013903, MONDO:0009162, OMIM 225500.

Submission:

Labcorp Genetics (formerly Invitae), Labcorp
Classification: Likely pathogenic for Curry-Hall syndrome; Ellis-van Creveld syndrome. Last evaluated: 2023-01-09. Review status: criteria provided, single submitter. Criteria: Invitae Variant Classification Sherloc (09022015). Collection method: clinical testing. Allele origin: germline.
Comment: In summary, the currently available evidence indicates that the variant is pathogenic, but additional data are needed to prove that conclusively. Therefore, this variant has been classified as Likely Pathogenic. This variant has not been reported in the literature in individuals affected with EVC-related conditions. This variant results in the deletion of part of exon 1 (c.7_174+946del) of the EVC gene. It is expected to disrupt RNA splicing. Variants that disrupt the donor or acceptor splice site typically lead to a loss of protein function (PMID: 16199547), and loss-of-function variants in EVC are known to be pathogenic (PMID: 23220543).

Literature cited by the submitters: PubMed 16199547; PubMed 23220543.